The following is an entry in ClinVar:

NC_000009.12:g.35658022_35658023insTCTCAGCTTCACAGAGCACGT

Gene: RMRP (RNA component of mitochondrial RNA processing endoribonuclease; minus strand). Cytogenetic location: 9p13.3.
Variant type: Insertion.
Genome position: GRCh38 VCF-style: chr9-35658017-C-CCACGTTCTCAGCTTCACAGAG. GRCh37 (hg19) VCF-style: chr9-35658014-C-CCACGTTCTCAGCTTCACAGAG.
Identifiers: ClinVar variation 2414407 (VCV002414407.10), dbSNP rs1554651368, ClinGen allele CA918446893.

ClinVar aggregate classification (germline): Pathogenic (1 of 4 stars; one submission).

Conditions:
Anauxetic dysplasia. Identifiers: Orphanet 93347, MedGen C1846796, MONDO:0011773.

Submission:

Labcorp Genetics (formerly Invitae), Labcorp
Classification: Pathogenic for Anauxetic dysplasia. Last evaluated: 2024-07-05. Review status: criteria provided, single submitter. Criteria: Invitae Variant Classification Sherloc (09022015). Collection method: clinical testing. Allele origin: germline.
Comment: This variant occurs in the RMRP gene, which encodes an RNA molecule that does not result in a protein product. This variant is not present in population databases (gnomAD no frequency). This variant has been observed in individuals with clinical features of cartilage-hair hypoplasia-anauxetic dysplasia (CHH-AD) spectrum disorders (Invitae). Other insertions and duplications immediately upstream of the coding sequence have been reported in individuals affected with cartilage-hair hypoplasia-anauxetic dysplasia (CHH-AD) spectrum disorders (PMID: 16244706, 11207361, 12107819). ClinVar contains an entry for this variant (Variation ID: 2414407). While functional studies for this variant have not been reported, experimental analyses using patient derived cells, as well as in vitro transfection studies, have shown that promoter insertions result in silencing of RMRP transcription and reduced expression of the gene product (PMID: 11207361, 16254002). For these reasons, this variant has been classified as Pathogenic.

Literature cited by the submitters: PubMed 16244706; PubMed 11207361; PubMed 12107819; PubMed 16254002.